The following is an entry in ClinVar:

NM_031475.3(ESPN):c.382G>T (p.Gly128Cys)

Gene: ESPN (espin; plus strand). Cytogenetic location: 1p36.31.
Variant type: single nucleotide variant.
Coding change: c.382G>T on transcript NM_031475.3 (MANE Select); coding-DNA position 382, G replaced by T.
Protein change: p.Gly128Cys; replaces glycine 128 with cysteine.
Molecular consequence: missense variant.
Genome position (GRCh38, 1-based): chr1:6,428,313, G>T. VCF-style: chr1-6428313-G-T. GRCh37 (hg19) VCF-style: chr1-6488373-G-T.
Other names: c.382G>T, p.Gly128Cys (NM_001367473.1, NM_001367474.1); short protein forms G128C.
Identifiers: ClinVar variation 180073 (VCV000180073.6), dbSNP rs145666801, ClinGen allele CA185756.

ClinVar aggregate classification (germline): Uncertain significance. Review status: criteria provided, multiple submitters, no conflicts (2 of 4 stars). 3 submissions from 3 submitters: Uncertain significance (3). Last evaluated 2025-08-24.

Conditions:
Inborn genetic diseases. Identifiers: MedGen C0950123, MeSH D030342.

Allele frequency attached by ClinVar (database versions not stated): TOPMed 0.00002.
gnomAD v4.1: 10 of 1,612,954 alleles (0.00062%); highest among the groups gnomAD compares: Non-Finnish European, 0.00085%; no homozygotes.

Submissions (3):

Ambry Genetics
Classification: Uncertain significance for Inborn genetic diseases. Last evaluated: 2025-08-24. Review status: criteria provided, single submitter. Criteria: Ambry Variant Classification Scheme 2023. Collection method: clinical testing. Allele origin: germline.

Blueprint Genetics
Classification: Uncertain significance. Last evaluated: 2023-10-17. Review status: criteria provided, single submitter. Criteria: ACMG Guidelines, 2015. Collection method: clinical testing. Allele origin: germline.

Laboratory for Molecular Medicine, Mass General Brigham Personalized Medicine
Classification: Uncertain significance. Last evaluated: 2014-11-02. Review status: criteria provided, single submitter. Criteria: LMM Criteria. Collection method: clinical testing. Allele origin: germline. Observed: 1 variant allele.
Comment: The p.Gly128Cys variant in ESPN has not been previously reported in individuals with hearing loss and was absent from large population studies. Computational pr ediction tools and conservation analysis do not provide strong support for or ag ainst an impact to the protein. In summary, the clinical significance of the p.G ly128Cys variant is uncertain.